The following is an entry in ClinVar:

NM_003072.5(SMARCA4):c.478del (p.Gln160fs)

Gene: SMARCA4 (SWI/SNF related BAF chromatin remodeling complex subunit ATPase 4; plus strand). Cytogenetic location: 19p13.2.
Variant type: Deletion.
Coding change: c.478del on transcript NM_003072.5 (MANE Select); coding-DNA position 478, one base deleted (C; older notation c.478delC).
Protein change: p.Gln160fs; shifts the reading frame from glutamine 160.
Molecular consequence: frameshift variant. On other transcripts: non-coding transcript variant (1).
Genome position (GRCh38, 1-based): chr19:10,986,311, C deleted; the last of 5 consecutive C bases (chr19:10,986,307-10,986,311); deleting any one gives the same sequence. VCF-style (leftmost placement, unchanged base first): chr19-10986306-AC-A. GRCh37 (hg19) VCF-style: chr19-11096982-AC-A.
Other names: c.478del, p.Gln160fs (NM_001128844.3, NM_001128845.2, NM_001128846.2 and 5 more transcripts); c.478delC, p.Gln160Argfs (NM_001411150.1); short protein forms Q160fs.
Identifiers: ClinVar variation 1743093 (VCV001743093.2), dbSNP rs2513995099, ClinGen allele CA2580096357.

ClinVar aggregate classification (germline): Pathogenic (1 of 4 stars; one submission).

Conditions:
Hereditary cancer-predisposing syndrome. Also called: Hereditary Cancer Syndrome; Neoplastic Syndromes, Hereditary; Tumor predisposition; Hereditary neoplastic syndrome. Identifiers: Orphanet 140162, MedGen C0027672, MeSH D009386, MONDO:0015356.

Submission:

Ambry Genetics
Classification: Pathogenic for Hereditary cancer-predisposing syndrome. Last evaluated: 2021-02-18. Review status: criteria provided, single submitter. Criteria: Ambry Variant Classification Scheme 2023. Collection method: clinical testing. Allele origin: germline.
Comment: The c.478delC variant, located in coding exon 3 of the SMARCA4 gene, results from a deletion of one nucleotide at nucleotide position 478, causing a translational frameshift with a predicted alternate stop codon (p.Q160Rfs*143). This alteration is expected to result in loss of function by premature protein truncation or nonsense-mediated mRNA decay. Loss-of-function variants in SMARCA4 are known to cause rhabdoid tumor predisposition syndrome including small cell carcinoma of the ovary-hypercalcemic type (SCCOHT); however, such associations with neurodevelopmental disorders are exceedingly rare (Kosho T et al. Am J Med Genet C Semin Med Genet. 2014 Sep;166C(3):262-75; Jelinic P et al. Nat Genet. 2014 May;46(5):424-6). Based on the supporting evidence, this alteration is pathogenic for rhabdoid tumor predisposition syndrome; however, the association of this alteration with Coffin-Siris syndrome is unlikely.